The following is an entry in ClinVar:

NM_138295.5(PKD1L1):c.1330G>C (p.Ala444Pro)

Gene: PKD1L1 (polycystin 1 like 1, transient receptor potential channel interacting; minus strand). Cytogenetic location: 7p12.3.
Variant type: single nucleotide variant.
Coding change: c.1330G>C on transcript NM_138295.5 (MANE Select); coding-DNA position 1330, G replaced by C.
Protein change: p.Ala444Pro; replaces alanine 444 with proline.
Molecular consequence: missense variant.
Genome position (GRCh38, 1-based): chr7:47,908,149, C>G on the plus strand (G>C on the coding strand, the complement: PKD1L1 is on the minus strand). VCF-style: chr7-47908149-C-G. GRCh37 (hg19) VCF-style: chr7-47947746-C-G.
Other names: short protein forms A444P.
Identifiers: ClinVar variation 3239601 (VCV003239601.19), dbSNP rs2484148036.

ClinVar aggregate classification (germline): Uncertain significance (1 of 4 stars; one submission).

Submission:

CeGaT Center for Human Genetics Tuebingen
Classification: Uncertain significance. Last evaluated: 2024-05-01. Review status: criteria provided, single submitter. Criteria: CeGaT Center For Human Genetics Tuebingen Variant Classification Criteria Version 2. Collection method: clinical testing. Allele origin: germline. Affected: yes. Observed: 1 variant allele.
Comment: PKD1L1: PM2, BP4